The following is an entry in ClinVar:

ClinVar aggregate classification (germline): Uncertain significance. Review status: criteria provided, multiple submitters, no conflicts (2 of 4 stars). 2 submissions from 2 submitters: Uncertain significance (2). Last evaluated 2026-07-20.

Conditions:
Inborn genetic diseases. Identifiers: MedGen C0950123, MeSH D030342.

Submissions (2):

GeneDx
Classification: Uncertain significance. Last evaluated: 2026-07-20. Review status: criteria provided, single submitter. Criteria: GeneDx Variant Classification Process June 2021. Collection method: clinical testing. Allele origin: germline.
Comment: Not observed at significant frequency in large population cohorts (gnomAD); In silico analysis suggests that this missense variant does not alter protein structure/function; Has not been previously published as pathogenic or benign to our knowledge

Ambry Genetics
Classification: Uncertain significance for Inborn genetic diseases. Last evaluated: 2026-06-24. Review status: criteria provided, single submitter. Criteria: Ambry Variant Classification Scheme 2023. Collection method: clinical testing. Allele origin: germline.

NM_004606.5(TAF1):c.4084A>G (p.Thr1362Ala)

Gene: TAF1 (TATA-box binding protein associated factor 1; plus strand). Cytogenetic location: Xq13.1.
Variant type: single nucleotide variant.
Coding change: c.4084A>G on transcript NM_004606.5 (MANE Select); coding-DNA position 4084, A replaced by G.
Protein change: p.Thr1362Ala; replaces threonine 1362 with alanine.
Molecular consequence: missense variant. On other transcripts: non-coding transcript variant (9).
Genome position (GRCh38, 1-based): chrX:71,406,723, A>G. VCF-style: chrX-71406723-A-G. GRCh37 (hg19) VCF-style: chrX-70626573-A-G.
Other names: c.4084A>G, p.Thr1362Ala (NM_001286074.2); c.4021A>G, p.Thr1341Ala (NM_138923.4); c.4144A>G (NM_004606.3); short protein forms T1341A, T1362A.
Identifiers: ClinVar variation 3359846 (VCV003359846.3).
Genomic context (GRCh38, chrX:71,406,723, plus strand): 5'-CTGGTTCTCAAGTTTCCTAAACAGCAGCTTCCTCCAAAGAAGAAACGGCGAGTTGGAACC[A>G]CTGTTCACTGTGACTATTTGAATGTGAGTATGTGCATTGCTTCCTTCTGATTAGGTAGGT-3'
Protein context (NP_004597.3, residues 1352-1372): PPKKKRRVGT[Thr1362Ala]VHCDYLNRPH